The following is an entry in ClinVar:

ClinVar aggregate classification (germline): Likely benign (1 of 4 stars; one submission).

Conditions:
DYRK1B-related disorder. Also called: DYRK1B-related condition.

Submission:

PreventionGenetics, part of Exact Sciences
Classification: Likely benign for DYRK1B-related condition. Last evaluated: 2026-06-30. Review status: criteria provided, single submitter. Criteria: ACMG Guidelines, 2015. Collection method: clinical testing. Allele origin: germline.
Comment: This variant is classified as likely benign based on ACMG/AMP sequence variant interpretation guidelines (Richards et al. 2015 PMID: 25741868, with internal and published modifications).

NM_004714.3(DYRK1B):c.594C>T (p.Tyr198=)

Gene: DYRK1B (dual specificity tyrosine phosphorylation regulated kinase 1B; minus strand). Cytogenetic location: 19q13.2.
Variant type: single nucleotide variant.
Coding change: c.594C>T on transcript NM_004714.3 (MANE Select); coding-DNA position 594, C replaced by T.
Protein change: p.Tyr198=; no amino-acid change (tyrosine 198 retained).
Molecular consequence: synonymous variant.
Genome position (GRCh38, 1-based): chr19:39,828,510, G>A on the plus strand (C>T on the coding strand, the complement: DYRK1B is on the minus strand). VCF-style: chr19-39828510-G-A. GRCh37 (hg19) VCF-style: chr19-40319150-G-A.
Other names: c.594C>T, p.Tyr198= (NM_006483.3, NM_006484.3).
Identifiers: ClinVar variation 4978765 (VCV004978765.1).